The following is an entry in ClinVar:

NM_001348800.3(ZBTB20):c.2076del (p.Ala693fs)

Gene: ZBTB20 (zinc finger and BTB domain containing 20; minus strand). Cytogenetic location: 3q13.31.
Variant type: Deletion.
Coding change: c.2076del on transcript NM_001348800.3 (MANE Select); coding-DNA position 2076, one base deleted (T; older notation c.2076delT).
Protein change: p.Ala693fs; shifts the reading frame from alanine 693.
Molecular consequence: frameshift variant. On other transcripts: non-coding transcript variant (1).
Genome position (GRCh38, 1-based): chr3:114,339,155, A deleted on the plus strand (T on the coding strand, the reverse complement: ZBTB20 is on the minus strand). VCF-style (leftmost placement, unchanged base first): chr3-114339154-CA-C. GRCh37 (hg19) VCF-style: chr3-114058001-CA-C.
Other names: c.2076del, p.Ala693fs (NM_001164342.2, NM_001348803.3, NM_001393393.1 and 1 more transcripts); c.1857del, p.Ala620fs (NM_001164343.2, NM_001164344.4, NM_001164345.4 and 9 more transcripts); short protein forms A620fs, A693fs.
Identifiers: ClinVar variation 4720868 (VCV004720868.1).

ClinVar aggregate classification (germline): Uncertain significance (1 of 4 stars; one submission).

Submission:

Labcorp Genetics (formerly Invitae), Labcorp
Classification: Uncertain significance. Last evaluated: 2025-07-14. Review status: criteria provided, single submitter. Criteria: Invitae Variant Classification Sherloc (09022015). Collection method: clinical testing. Allele origin: germline.
Comment: This sequence change creates a premature translational stop signal (p.Ala693Glnfs*42) in the ZBTB20 gene. While this is not anticipated to result in nonsense mediated decay, it is expected to disrupt the last 49 amino acid(s) of the ZBTB20 protein. This variant is not present in population databases (gnomAD no frequency). This variant has not been reported in the literature in individuals affected with ZBTB20-related conditions. Experimental studies and prediction algorithms are not available or were not evaluated, and the functional significance of this variant is currently unknown. In summary, the available evidence is currently insufficient to determine the role of this variant in disease. Therefore, it has been classified as a Variant of Uncertain Significance.